The following is an entry in ClinVar:

ClinVar aggregate classification (germline): Pathogenic (1 of 4 stars; one submission).

Conditions:
Hereditary cancer-predisposing syndrome. Also called: Hereditary neoplastic syndrome; Neoplastic Syndromes, Hereditary; Tumor predisposition; Hereditary Cancer Syndrome. Identifiers: Orphanet 140162, MedGen C0027672, MeSH D009386, MONDO:0015356.

Submission:

Ambry Genetics
Classification: Pathogenic for Hereditary cancer-predisposing syndrome. Last evaluated: 2024-12-18. Review status: criteria provided, single submitter. Criteria: Ambry Variant Classification Scheme 2023. Collection method: clinical testing. Allele origin: germline.
Comment: The c.135delG pathogenic mutation, located in coding exon 1 of the CHEK2 gene, results from a deletion of one nucleotide at nucleotide position 135, causing a translational frameshift with a predicted alternate stop codon (p.M46Cfs*15). This variant is considered to be rare based on population cohorts in the Genome Aggregation Database (gnomAD). This alteration is expected to result in loss of function by premature protein truncation or nonsense-mediated mRNA decay. As such, this alteration is interpreted as a disease-causing mutation.

NM_007194.4(CHEK2):c.135del (p.Met46fs)

Gene: CHEK2 (checkpoint kinase 2; minus strand). Cytogenetic location: 22q12.1.
Variant type: Deletion.
Coding change: c.135del on transcript NM_007194.4 (MANE Select); coding-DNA position 135, one base deleted (G; older notation c.135delG).
Protein change: p.Met46fs; shifts the reading frame from methionine 46.
Molecular consequence: frameshift variant.
Genome position (GRCh38, 1-based): chr22:28,734,587, C deleted on the plus strand (G on the coding strand, the reverse complement: CHEK2 is on the minus strand). VCF-style (leftmost placement, unchanged base first): chr22-28734586-TC-T. GRCh37 (hg19) VCF-style: chr22-29130574-TC-T.
Other names: c.135delG, p.Met46Cysfs (NM_001005735.3, NM_001349956.3, NM_145862.3); c.-643delG (NM_001257387.3); short protein forms M46fs.
Identifiers: ClinVar variation 3832924 (VCV003832924.1).
Genomic context (GRCh38, chr22:28,734,586, plus strand): 5'-CTGTCTCTAAGGAGCTCAGTGTCCCAGAGCTGGAGTGAGAGGACTGGCTGGAGTTTGGCA[TC>T]GTGCTGGTAGAGGAGCTGGATATGCCCTGGGACTGTGAGGAGGAGCCTTGGGACTGGGTA-3'